The following is an entry in ClinVar:

ClinVar aggregate classification (germline): Uncertain significance (1 of 4 stars; one submission).

Conditions:
Hereditary cancer-predisposing syndrome. Also called: Neoplastic Syndromes, Hereditary; Tumor predisposition; Hereditary Cancer Syndrome; Hereditary neoplastic syndrome. Identifiers: Orphanet 140162, MedGen C0027672, MeSH D009386, MONDO:0015356.

gnomAD v4.1: 2 of 1,613,602 alleles (0.00012%); highest among the groups gnomAD compares: East Asian, 0.0045%; no homozygotes.

Submission:

Ambry Genetics
Classification: Uncertain significance for Hereditary cancer-predisposing syndrome. Last evaluated: 2026-04-02. Review status: criteria provided, single submitter. Criteria: Ambry Variant Classification Scheme 2023. Collection method: clinical testing. Allele origin: germline.
Comment: The p.V26L variant (also known as c.76G>C), located in coding exon 2 of the NBN gene, results from a G to C substitution at nucleotide position 76. The valine at codon 26 is replaced by leucine, an amino acid with highly similar properties. This amino acid position is conserved. In addition, the in silico prediction for this alteration is inconclusive. Based on the available evidence, the clinical significance of this variant remains unclear.

NM_002485.5(NBN):c.76G>C (p.Val26Leu)

Gene: NBN (nibrin; minus strand). Cytogenetic location: 8q21.3.
Variant type: single nucleotide variant.
Coding change: c.76G>C on transcript NM_002485.5 (MANE Select); coding-DNA position 76, G replaced by C.
Protein change: p.Val26Leu; replaces valine 26 with leucine.
Molecular consequence: missense variant. On other transcripts: 5 prime UTR variant (3).
Genome position (GRCh38, 1-based): chr8:89,982,817, C>G on the plus strand (G>C on the coding strand, the complement: NBN is on the minus strand). VCF-style: chr8-89982817-C-G. GRCh37 (hg19) VCF-style: chr8-90995045-C-G.
Other names: c.-221G>C (NM_001024688.3, NM_001440380.1); c.-171G>C (NM_001440379.1); short protein forms V26L.
Identifiers: ClinVar variation 4860752 (VCV004860752.1).